The following is an entry in ClinVar:

ClinVar aggregate classification (germline): Uncertain significance (1 of 4 stars; one submission).

Conditions:
Autosomal recessive ataxia, Beauce type. Also called: SYNE1 Deficiency; Spinocerebellar ataxia, autosomal recessive 8; ATAXIA, RECESSIVE, OF BEAUCE; SYNE1-Related Autosomal Recessive Cerebellar Ataxia. Identifiers: Orphanet 88644, MedGen C1853116, MONDO:0012549, OMIM 610743.
Emery-Dreifuss muscular dystrophy 4, autosomal dominant (EDMD4). Also called: EMERY-DREIFUSS MUSCULAR DYSTROPHY 4 WITH VARIABLE FEATURES. Identifiers: Orphanet 261, MedGen C2751807, MONDO:0013071, OMIM 612998.

Submission:

Labcorp Genetics (formerly Invitae), Labcorp
Classification: Uncertain significance for Emery-Dreifuss muscular dystrophy 4, autosomal dominant; Autosomal recessive ataxia, Beauce type. Last evaluated: 2022-07-03. Review status: criteria provided, single submitter. Criteria: Invitae Variant Classification Sherloc (09022015). Collection method: clinical testing. Allele origin: germline.
Comment: In summary, the available evidence is currently insufficient to determine the role of this variant in disease. Therefore, it has been classified as a Variant of Uncertain Significance. Algorithms developed to predict the effect of missense changes on protein structure and function (SIFT, PolyPhen-2, Align-GVGD) all suggest that this variant is likely to be tolerated. This variant has not been reported in the literature in individuals affected with SYNE1-related conditions. This variant is not present in population databases (gnomAD no frequency). This sequence change replaces serine, which is neutral and polar, with arginine, which is basic and polar, at codon 4983 of the SYNE1 protein (p.Ser4983Arg).

NM_182961.4(SYNE1):c.15162C>A (p.Ser5054Arg)

Gene: SYNE1 (spectrin repeat containing nuclear envelope protein 1; minus strand). Cytogenetic location: 6q25.2.
Variant type: single nucleotide variant.
Coding change: c.15162C>A on transcript NM_182961.4 (MANE Select); coding-DNA position 15162, C replaced by A.
Protein change: p.Ser5054Arg; replaces serine 5054 with arginine.
Molecular consequence: missense variant.
Genome position (GRCh38, 1-based): chr6:152,326,427, G>T on the plus strand (C>A on the coding strand, the complement: SYNE1 is on the minus strand). VCF-style: chr6-152326427-G-T. GRCh37 (hg19) VCF-style: chr6-152647562-G-T.
Other names: c.14949C>A, p.Ser4983Arg (NM_033071.5); short protein forms S5054R, S4983R.
Identifiers: ClinVar variation 2013557 (VCV002013557.4), dbSNP rs2484750764, ClinGen allele CA366093571.